The following is an entry in ClinVar:

ClinVar aggregate classification (germline): Uncertain significance (1 of 4 stars; one submission).

Conditions:
Nephronophthisis. Also called: Juvenile Nephronophthisis. Identifiers: Orphanet 655, MedGen C0687120, MONDO:0019005, HP:0000090.

Allele frequency attached by ClinVar (database versions not stated): gnomAD 0.00001; gnomAD exomes 0.00001.

Submission:

Labcorp Genetics (formerly Invitae), Labcorp
Classification: Uncertain significance for Nephronophthisis. Last evaluated: 2022-02-18. Review status: criteria provided, single submitter. Criteria: Invitae Variant Classification Sherloc (09022015). Collection method: clinical testing. Allele origin: germline.
Comment: This sequence change replaces glycine, which is neutral and non-polar, with glutamic acid, which is acidic and polar, at codon 112 of the NPHP1 protein (p.Gly112Glu). This variant is present in population databases (no rsID available, gnomAD 0.02%). This variant has not been reported in the literature in individuals affected with NPHP1-related conditions. Algorithms developed to predict the effect of missense changes on protein structure and function output the following: SIFT: "Tolerated"; PolyPhen-2: "Benign"; Align-GVGD: "Class C0". The glutamic acid amino acid residue is found in multiple mammalian species, which suggests that this missense change does not adversely affect protein function. Algorithms developed to predict the effect of sequence changes on RNA splicing suggest that this variant may disrupt the consensus splice site. In summary, the available evidence is currently insufficient to determine the role of this variant in disease. Therefore, it has been classified as a Variant of Uncertain Significance.

NM_001128178.3(NPHP1):c.335G>A (p.Gly112Glu)

Gene: NPHP1 (nephrocystin 1; minus strand). Cytogenetic location: 2q13.
Variant type: single nucleotide variant.
Coding change: c.335G>A on transcript NM_001128178.3 (MANE Select); coding-DNA position 335, G replaced by A.
Protein change: p.Gly112Glu; replaces glycine 112 with glutamic acid.
Molecular consequence: missense variant.
Genome position (GRCh38, 1-based): chr2:110,169,993, C>T on the plus strand (G>A on the coding strand, the complement: NPHP1 is on the minus strand). VCF-style: chr2-110169993-C-T. GRCh37 (hg19) VCF-style: chr2-110927570-C-T.
Other names: c.335G>A, p.Gly112Glu (NM_000272.5, NM_001374256.1, NM_001374257.1 and 1 more transcripts); c.149G>A, p.Gly50Glu (NM_001128179.3); short protein forms G50E, G112E.
Identifiers: ClinVar variation 1928412 (VCV001928412.2), dbSNP rs1434802962, ClinGen allele CA348093211.